The following is an entry in ClinVar:

NM_020975.6(RET):c.1132G>A (p.Asp378Asn)

Gene: RET (ret proto-oncogene; plus strand). Cytogenetic location: 10q11.21.
Variant type: single nucleotide variant.
Coding change: c.1132G>A on transcript NM_020975.6 (MANE Select); coding-DNA position 1132, G replaced by A.
Protein change: p.Asp378Asn; replaces aspartic acid 378 with asparagine.
Molecular consequence: missense variant.
Genome position (GRCh38, 1-based): chr10:43,109,099, G>A. VCF-style: chr10-43109099-G-A. GRCh37 (hg19) VCF-style: chr10-43604547-G-A.
Other names: c.1132G>A, p.Asp378Asn (NM_000323.2, NM_001406743.1, NM_001406744.1 and 6 more transcripts); c.370G>A, p.Asp124Asn (NM_001355216.2); c.1003G>A, p.Asp335Asn (NM_001406761.1, NM_001406762.1, NM_001406764.1 and 1 more transcripts); c.844G>A, p.Asp282Asn (NM_001406766.1, NM_001406767.1, NM_001406770.1); c.694G>A, p.Asp232Asn (NM_001406771.1, NM_001406773.1); c.406G>A, p.Asp136Asn (NM_001406775.1, NM_001406776.1, NM_001406777.1 and 1 more transcripts); c.142G>A, p.Asp48Asn (NM_001406784.1); short protein forms D124N, D378N, D136N, D335N, D48N, D232N, D282N.
Identifiers: ClinVar variation 1486515 (VCV001486515.8), dbSNP rs2132744359, ClinGen allele CA376547416.

ClinVar aggregate classification (germline): Uncertain significance. Review status: criteria provided, multiple submitters, no conflicts (2 of 4 stars). 2 submissions from 2 submitters: Uncertain significance (2). Last evaluated 2025-05-01.

Conditions:
Hereditary cancer-predisposing syndrome. Also called: Hereditary neoplastic syndrome; Neoplastic Syndromes, Hereditary; Hereditary Cancer Syndrome; Tumor predisposition. Identifiers: Orphanet 140162, MedGen C0027672, MeSH D009386, MONDO:0015356.
Multiple endocrine neoplasia, type 2 (MEN2). Identifiers: Orphanet 653, MedGen C4048306, MONDO:0019003. Disease mechanism: gain of function.

Submissions (2):

Ambry Genetics
Classification: Uncertain significance for Hereditary cancer-predisposing syndrome. Last evaluated: 2025-05-01. Review status: criteria provided, single submitter. Criteria: Ambry Variant Classification Scheme 2023. Collection method: clinical testing. Allele origin: germline.
Comment: The p.D378N variant (also known as c.1132G>A), located in coding exon 6 of the RET gene, results from a G to A substitution at nucleotide position 1132. The aspartic acid at codon 378 is replaced by asparagine, an amino acid with highly similar properties. This amino acid position is highly conserved in available vertebrate species. In addition, the in silico prediction for this alteration is inconclusive. Based on the available evidence, the clinical significance of this variant remains unclear.

Labcorp Genetics (formerly Invitae), Labcorp
Classification: Uncertain significance for Multiple endocrine neoplasia, type 2. Last evaluated: 2021-12-08. Review status: criteria provided, single submitter. Criteria: Invitae Variant Classification Sherloc (09022015). Collection method: clinical testing. Allele origin: germline.
Comment: In summary, the available evidence is currently insufficient to determine the role of this variant in disease. Therefore, it has been classified as a Variant of Uncertain Significance. Algorithms developed to predict the effect of missense changes on protein structure and function are either unavailable or do not agree on the potential impact of this missense change (SIFT: "Tolerated"; PolyPhen-2: "Probably Damaging"; Align-GVGD: "Class C0"). This variant has not been reported in the literature in individuals affected with RET-related conditions. This variant is not present in population databases (gnomAD no frequency). This sequence change replaces aspartic acid, which is acidic and polar, with asparagine, which is neutral and polar, at codon 378 of the RET protein (p.Asp378Asn).